The following is an entry in ClinVar:

ClinVar aggregate classification (germline): Uncertain significance (1 of 4 stars; one submission).

Allele frequency attached by ClinVar (database versions not stated): ExAC 0.00001; gnomAD 0.00001; gnomAD exomes 0.00001; TOPMed 0.00002; ESP Exome Variant Server 0.00008; 1000 Genomes Project 30x 0.00016; 1000 Genomes Project 0.00020.
gnomAD v4.1: 21 of 1,601,526 alleles (0.0013%); highest among the groups gnomAD compares: East Asian, 0.0022%; no homozygotes.

Submission:

Labcorp Genetics (formerly Invitae), Labcorp
Classification: Uncertain significance. Last evaluated: 2022-07-02. Review status: criteria provided, single submitter. Criteria: Invitae Variant Classification Sherloc (09022015). Collection method: clinical testing. Allele origin: germline.
Comment: The frequency data for this variant in the population databases is considered unreliable, as metrics indicate poor data quality at this position in the gnomAD database. In summary, the available evidence is currently insufficient to determine the role of this variant in disease. Therefore, it has been classified as a Variant of Uncertain Significance. Algorithms developed to predict the effect of missense changes on protein structure and function are either unavailable or do not agree on the potential impact of this missense change (SIFT: "Not Available"; PolyPhen-2: "Probably Damaging"; Align-GVGD: "Not Available"). This variant has not been reported in the literature in individuals affected with PIK3C2A-related conditions. This sequence change replaces arginine, which is basic and polar, with histidine, which is basic and polar, at codon 899 of the PIK3C2A protein (p.Arg899His).

NM_002645.4(PIK3C2A):c.2696G>A (p.Arg899His)

Gene: PIK3C2A (phosphatidylinositol-4-phosphate 3-kinase catalytic subunit type 2 alpha; minus strand). Cytogenetic location: 11p15.1.
Variant type: single nucleotide variant.
Coding change: c.2696G>A on transcript NM_002645.4 (MANE Select); coding-DNA position 2696, G replaced by A.
Protein change: p.Arg899His; replaces arginine 899 with histidine.
Molecular consequence: missense variant.
Genome position (GRCh38, 1-based): chr11:17,119,936, C>T on the plus strand (G>A on the coding strand, the complement: PIK3C2A is on the minus strand). VCF-style: chr11-17119936-C-T. GRCh37 (hg19) VCF-style: chr11-17141483-C-T.
Other names: c.2696G>A, p.Arg899His (NM_001321378.2); c.1556G>A, p.Arg519His (NM_001321380.2); c.2528G>A, p.Arg843His (NM_001386870.1); short protein forms R519H, R843H, R899H.
Identifiers: ClinVar variation 1902977 (VCV001902977.5), dbSNP rs142618473, ClinGen allele CA5901021.